The following is an entry in ClinVar:

NM_006651.4(CPLX1):c.150C>G (p.Ala50=)

Genes: CPLX1 (complexin 1; minus strand), CPLX1-AS1 (CPLX1 antisense RNA 1; plus strand). Cytogenetic location: 4p16.3.
Variant type: single nucleotide variant.
Coding change: c.150C>G on transcript NM_006651.4 (MANE Select); coding-DNA position 150, C replaced by G.
Protein change: p.Ala50=; no amino-acid change (alanine 50 retained).
Molecular consequence: synonymous variant.
Genome position (GRCh38, 1-based): chr4:792,490, G>C on the plus strand (C>G on the coding strand, the complement: CPLX1 is on the minus strand). VCF-style: chr4-792490-G-C. GRCh37 (hg19) VCF-style: chr4-786278-G-C.
Identifiers: ClinVar variation 4984646 (VCV004984646.1).

ClinVar aggregate classification (germline): Likely benign (1 of 4 stars; one submission).

Conditions:
CPLX1-related disorder. Also called: CPLX1-related condition.

gnomAD v4.1: 18 of 1,612,656 alleles (0.0011%); highest among the groups gnomAD compares: Non-Finnish European, 0.0015%; no homozygotes.

Submission:

PreventionGenetics, part of Exact Sciences
Classification: Likely benign for CPLX1-related condition. Last evaluated: 2026-04-15. Review status: criteria provided, single submitter. Criteria: ACMG Guidelines, 2015. Collection method: clinical testing. Allele origin: germline.
Comment: This variant is classified as likely benign based on ACMG/AMP sequence variant interpretation guidelines (Richards et al. 2015 PMID: 25741868, with internal and published modifications).